The following is an entry in ClinVar:

ClinVar aggregate classification (germline): Benign (1 of 4 stars; one submission).

Allele frequency attached by ClinVar (database versions not stated): 1000 Genomes Project 30x 0.84135; 1000 Genomes Project 0.84605; TOPMed 0.85420; gnomAD 0.86161 and 0.86605.
gnomAD v4.1: 131,985 of 152,202 alleles (87%); highest among the groups gnomAD compares: East Asian, 100%; 58,711 homozygotes.

Submission:

GeneDx
Classification: Benign. Last evaluated: 2018-06-18. Review status: criteria provided, single submitter. Criteria: GeneDx Variant Classification (06012015). Collection method: clinical testing. Allele origin: germline. Affected: yes.
Comment: This variant is considered likely benign or benign based on one or more of the following criteria: it is a conservative change, it occurs at a poorly conserved position in the protein, it is predicted to be benign by multiple in silico algorithms, and/or has population frequency not consistent with disease.

NM_000744.7(CHRNA4):c.1759-309A>G

Gene: CHRNA4 (cholinergic receptor nicotinic alpha 4 subunit; minus strand). Cytogenetic location: 20q13.33.
Variant type: single nucleotide variant.
Coding change: c.1759-309A>G on transcript NM_000744.7 (MANE Select); 309 bases into the intron before coding-DNA position 1759, A replaced by G.
Molecular consequence: intron variant.
Genome position (GRCh38, 1-based): chr20:63,347,172, T>C on the plus strand (A>G on the coding strand, the complement: CHRNA4 is on the minus strand). VCF-style: chr20-63347172-T-C. GRCh37 (hg19) VCF-style: chr20-61978524-T-C.
Other names: c.1231-309A>G (NM_001256573.2).
Identifiers: ClinVar variation 668093 (VCV000668093.1), dbSNP rs6090380, ClinGen allele CA14824373.